The following is an entry in ClinVar:

ClinVar aggregate classification (germline): Pathogenic. Review status: criteria provided, multiple submitters, no conflicts (2 of 4 stars). 2 submissions from 2 submitters: Pathogenic (2). Last evaluated 2024-12-27.

Submissions (2):

GeneDx
Classification: Pathogenic. Last evaluated: 2024-12-27. Review status: criteria provided, single submitter. Criteria: GeneDx Variant Classification Process June 2021. Collection method: clinical testing. Allele origin: germline.
Comment: Frameshift variant predicted to result in protein truncation or nonsense mediated decay in a gene for which loss-of-function is a known mechanism of disease; Not observed at significant frequency in large population cohorts (gnomAD); Has not been previously published as pathogenic or benign to our knowledge

Clinical Genetics Laboratory, Skane University Hospital Lund
Classification: Pathogenic. Last evaluated: 2022-05-27. Review status: criteria provided, single submitter. Criteria: ACMG Guidelines, 2015. Collection method: clinical testing. Allele origin: germline. Affected: yes.

NM_006852.6(TLK2):c.839_840del (p.Gln280fs)

Gene: TLK2 (tousled like kinase 2; plus strand). Cytogenetic location: 17q23.2.
Variant type: Deletion.
Coding change: c.839_840del on transcript NM_006852.6 (MANE Select); coding-DNA positions 839 to 840, 2 bases deleted (AA; older notation c.839_840delAA).
Protein change: p.Gln280fs; shifts the reading frame from glutamine 280.
Molecular consequence: frameshift variant.
Genome position (GRCh38, 1-based): chr17:62,565,008-62,565,009, AA deleted. VCF-style (leftmost placement, unchanged base first): chr17-62565007-CAA-C. GRCh37 (hg19) VCF-style: chr17-60642368-CAA-C.
Other names: c.839_840del, p.Gln280fs (NM_001284333.3, NM_001375270.1, NM_001375271.1); c.743_744del, p.Gln248fs (NM_001284363.1, NM_001375272.1); c.392_393del, p.Gln131fs (NM_001330418.3, NM_001375273.1); c.881_882del, p.Gln294fs (NM_001375269.1); c.554_555del, p.Gln185fs (NM_001411074.1); short protein forms Q131fs, Q185fs, Q248fs, Q280fs, Q294fs.
Identifiers: ClinVar variation 3337452 (VCV003337452.3).